The following is an entry in ClinVar:

ClinVar aggregate classification (germline): Uncertain significance. Review status: criteria provided, multiple submitters, no conflicts (2 of 4 stars). 3 submissions from 3 submitters: Uncertain significance (3). Last evaluated 2024-02-28.

Conditions:
Hereditary cancer-predisposing syndrome. Also called: Tumor predisposition; Hereditary neoplastic syndrome; Neoplastic Syndromes, Hereditary; Hereditary Cancer Syndrome. Identifiers: Orphanet 140162, MedGen C0027672, MeSH D009386, MONDO:0015356.
Familial melanoma. Also called: Hereditary melanoma; Hereditary cutaneous melanoma. Identifiers: Orphanet 618, MedGen C1512419, MONDO:0018961.

Allele frequency attached by ClinVar (database versions not stated): TOPMed 0.00001.
gnomAD v4.1: 6 of 1,603,876 alleles (0.00037%); highest among the groups gnomAD compares: Admixed American, 0.0017%; no homozygotes.

Submissions (3):

Ambry Genetics
Classification: Uncertain significance for Hereditary cancer-predisposing syndrome. Last evaluated: 2024-02-28. Review status: criteria provided, single submitter. Criteria: Ambry Variant Classification Scheme 2023. Collection method: clinical testing. Allele origin: germline.
Comment: The p.R19Q variant (also known as c.56G>A), located in coding exon 1 of the CDKN2A (p14ARF) gene, results from a G to A substitution at nucleotide position 56. The arginine at codon 19 is replaced by glutamine, an amino acid with highly similar properties. This amino acid position is well conserved in available vertebrate species; however, glutamine is the reference amino acid in other vertebrate species. In addition, this alteration is predicted to be tolerated by in silico analysis. Based on the available evidence, the clinical significance of this alteration remains unclear.

GeneDx
Classification: Uncertain significance. Last evaluated: 2023-11-14. Review status: criteria provided, single submitter. Criteria: GeneDx Variant Classification Process June 2021. Collection method: clinical testing. Allele origin: germline. Affected: yes.
Comment: Not observed at significant frequency in large population cohorts (gnomAD); In silico analysis supports that this missense variant does not alter protein structure/function; Has not been previously published as pathogenic or benign to our knowledge; This variant is associated with the following publications: (PMID: 9653180, 9529249, 16173922)

Labcorp Genetics (formerly Invitae), Labcorp
Classification: Uncertain significance for Familial melanoma. Last evaluated: 2021-08-26. Review status: criteria provided, single submitter. Criteria: Invitae Variant Classification Sherloc (09022015). Collection method: clinical testing. Allele origin: germline.
Comment: This sequence change replaces arginine with glutamine at codon 19 of the CDKN2A (p14ARF) protein (p.Arg19Gln). The arginine residue is moderately conserved and there is a small physicochemical difference between arginine and glutamine. This variant is not present in population databases (ExAC no frequency). This variant has not been reported in the literature in individuals affected with CDKN2A (p14ARF)-related conditions. Algorithms developed to predict the effect of missense changes on protein structure and function output the following: SIFT: "Tolerated"; PolyPhen-2: "Possibly Damaging"; Align-GVGD: "Class C0". The glutamine amino acid residue is found in multiple mammalian species, which suggests that this missense change does not adversely affect protein function. In summary, the available evidence is currently insufficient to determine the role of this variant in disease. Therefore, it has been classified as a Variant of Uncertain Significance.

NM_058195.4(CDKN2A):c.56G>A (p.Arg19Gln)

Gene: CDKN2A (cyclin dependent kinase inhibitor 2A; minus strand). Cytogenetic location: 9p21.3.
Variant type: single nucleotide variant.
Coding change: c.56G>A on transcript NM_058195.4 (MANE Plus Clinical); coding-DNA position 56, G replaced by A.
Protein change: p.Arg19Gln; replaces arginine 19 with glutamine.
Molecular consequence: missense variant. On other transcripts: intron variant (1).
Genome position (GRCh38, 1-based): chr9:21,994,276, C>T on the plus strand (G>A on the coding strand, the complement: CDKN2A is on the minus strand). VCF-style: chr9-21994276-C-T. GRCh37 (hg19) VCF-style: chr9-21994275-C-T.
Other names: c.-4+545G>A (NM_001363763.2); short protein forms R19Q.
Identifiers: ClinVar variation 642110 (VCV000642110.8), dbSNP rs748616717, ClinGen allele CA373087031.